The following is an entry in ClinVar:

ClinVar aggregate classification (germline): Uncertain significance. Review status: criteria provided, multiple submitters, no conflicts (2 of 4 stars). 2 submissions from 2 submitters: Uncertain significance (2). Last evaluated 2023-06-13.

Conditions:
Congenital disorder of glycosylation, type Iaa. Also called: Congenital disorder of glycosylation, type 1aa. Identifiers: MedGen C4310727, MONDO:0014904, OMIM 617082.

Allele frequency attached by ClinVar (database versions not stated): gnomAD exomes below 0.00001; TOPMed below 0.00001.
gnomAD v4.1: 6 of 1,559,924 alleles (0.00038%); highest among the groups gnomAD compares: South Asian, 0.0059%; no homozygotes.

Submissions (2):

Labcorp Genetics (formerly Invitae), Labcorp
Classification: Uncertain significance for Congenital disorder of glycosylation, type Iaa. Last evaluated: 2023-06-13. Review status: criteria provided, single submitter. Criteria: Invitae Variant Classification Sherloc (09022015). Collection method: clinical testing. Allele origin: germline.
Comment: This missense change has been observed in individual(s) with clinical features of NUS1-related conditions (PMID: 30348779). This sequence change replaces isoleucine, which is neutral and non-polar, with methionine, which is neutral and non-polar, at codon 36 of the NUS1 protein (p.Ile36Met). This variant is present in population databases (no rsID available, gnomAD 0.008%). ClinVar contains an entry for this variant (Variation ID: 2159433). An algorithm developed to predict the effect of missense changes on protein structure and function (PolyPhen-2) suggests that this variant is likely to be tolerated. In summary, the available evidence is currently insufficient to determine the role of this variant in disease. Therefore, it has been classified as a Variant of Uncertain Significance.

Revvity Omics, Revvity
Classification: Uncertain significance. Last evaluated: 2020-12-15. Review status: criteria provided, single submitter. Criteria: ACMG Guidelines, 2015. Collection method: clinical testing. Allele origin: germline.

Literature cited by the submitters: PubMed 30348779 (cited by Labcorp Genetics (formerly Invitae), Labcorp).

NM_138459.5(NUS1):c.108C>G (p.Ile36Met)

Gene: NUS1 (NUS1 dehydrodolichyl diphosphate synthase subunit; plus strand). Cytogenetic location: 6q22.1.
Variant type: single nucleotide variant.
Coding change: c.108C>G on transcript NM_138459.5 (MANE Select); coding-DNA position 108, C replaced by G.
Protein change: p.Ile36Met; replaces isoleucine 36 with methionine.
Molecular consequence: missense variant.
Genome position (GRCh38, 1-based): chr6:117,675,778, C>G. VCF-style: chr6-117675778-C-G. GRCh37 (hg19) VCF-style: chr6-117996941-C-G.
Other names: short protein forms I36M.
Identifiers: ClinVar variation 2159433 (VCV002159433.7), dbSNP rs1396393146, ClinGen allele CA365535918.